The following is an entry in ClinVar:

ClinVar aggregate classification (germline): Uncertain significance (1 of 4 stars; one submission).

Conditions:
Primary ciliary dyskinesia. Also called: Ciliary dyskinesia. Identifiers: Orphanet 244, MedGen C0008780, MONDO:0016575, HP:0012265.

Submission:

Labcorp Genetics (formerly Invitae), Labcorp
Classification: Uncertain significance for Primary ciliary dyskinesia. Last evaluated: 2020-02-17. Review status: criteria provided, single submitter. Criteria: Invitae Variant Classification Sherloc (09022015). Collection method: clinical testing. Allele origin: germline.
Comment: This sequence change replaces glutamine with lysine at codon 1452 of the DNAH8 protein (p.Gln1452Lys). The glutamine residue is moderately conserved and there is a small physicochemical difference between glutamine and lysine. This variant is not present in population databases (ExAC no frequency). This variant has not been reported in the literature in individuals with DNAH8-related conditions. Algorithms developed to predict the effect of missense changes on protein structure and function are either unavailable or do not agree on the potential impact of this missense change (SIFT: "Deleterious"; PolyPhen-2: "Not Available"; Align-GVGD: "Class C0"). In summary, the available evidence is currently insufficient to determine the role of this variant in disease. Therefore, it has been classified as a Variant of Uncertain Significance.

NM_001206927.2(DNAH8):c.4354C>A (p.Gln1452Lys)

Gene: DNAH8 (dynein axonemal heavy chain 8; plus strand). Cytogenetic location: 6p21.2.
Variant type: single nucleotide variant.
Coding change: c.4354C>A on transcript NM_001206927.2 (MANE Select); coding-DNA position 4354, C replaced by A.
Protein change: p.Gln1452Lys; replaces glutamine 1452 with lysine.
Molecular consequence: missense variant.
Genome position (GRCh38, 1-based): chr6:38,834,630, C>A. VCF-style: chr6-38834630-C-A. GRCh37 (hg19) VCF-style: chr6-38802406-C-A.
Other names: c.3703C>A, p.Gln1235Lys (NM_001371.4); short protein forms Q1235K, Q1452K.
Identifiers: ClinVar variation 1015729 (VCV001015729.9), dbSNP rs1774128346, ClinGen allele CA364000246.